The following is an entry in ClinVar:

ClinVar aggregate classification (germline): Uncertain significance (1 of 4 stars; one submission).

Allele frequency attached by ClinVar (database versions not stated): gnomAD 0.00001; gnomAD exomes 0.00001 and 0.00002; ExAC 0.00002; TOPMed 0.00002.
gnomAD v4.1: 16 of 1,612,986 alleles (0.00099%); highest among the groups gnomAD compares: South Asian, 0.0033%; no homozygotes.

Submission:

Labcorp Genetics (formerly Invitae), Labcorp
Classification: Uncertain significance. Last evaluated: 2022-07-26. Review status: criteria provided, single submitter. Criteria: Invitae Variant Classification Sherloc (09022015). Collection method: clinical testing. Allele origin: germline.
Comment: This sequence change replaces arginine, which is basic and polar, with cysteine, which is neutral and slightly polar, at codon 1237 of the PTPN23 protein (p.Arg1237Cys). This variant is present in population databases (rs755103681, gnomAD 0.003%). This variant has not been reported in the literature in individuals affected with PTPN23-related conditions. ClinVar contains an entry for this variant (Variation ID: 1346073). Algorithms developed to predict the effect of missense changes on protein structure and function are either unavailable or do not agree on the potential impact of this missense change (SIFT: "Deleterious"; PolyPhen-2: "Possibly Damaging"; Align-GVGD: "Class C0"). In summary, the available evidence is currently insufficient to determine the role of this variant in disease. Therefore, it has been classified as a Variant of Uncertain Significance.

NM_015466.4(PTPN23):c.3709C>T (p.Arg1237Cys)

Gene: PTPN23 (protein tyrosine phosphatase non-receptor type 23; plus strand). Cytogenetic location: 3p21.31.
Variant type: single nucleotide variant.
Coding change: c.3709C>T on transcript NM_015466.4 (MANE Select); coding-DNA position 3709, C replaced by T.
Protein change: p.Arg1237Cys; replaces arginine 1237 with cysteine.
Molecular consequence: missense variant.
Genome position (GRCh38, 1-based): chr3:47,411,507, C>T. VCF-style: chr3-47411507-C-T. GRCh37 (hg19) VCF-style: chr3-47452997-C-T.
Other names: c.3331C>T, p.Arg1111Cys (NM_001304482.2); short protein forms R1111C, R1237C.
Identifiers: ClinVar variation 1346073 (VCV001346073.5), dbSNP rs755103681, ClinGen allele CA2366336.
Genomic context (GRCh38, chr3:47,411,507, plus strand): 5'-TACTCACTGAAGAACCGGCACCAGGATGTCATGCCCTATGACAGTAACCGTGTGGTGCTG[C>T]GCTCAGGCAAGGATGACTACATCAATGCCAGCTGCGTGGAGGGGCTCTCCCCATACTGCC-3'
Protein context (NP_056281.1, residues 1227-1247): MPYDSNRVVL[Arg1237Cys]SGKDDYINAS